The following is an entry in ClinVar:

NM_000051.4(ATM):c.1518C>T (p.Gly506=)

Gene: ATM (ATM serine/threonine kinase; plus strand). Cytogenetic location: 11q22.3.
Variant type: single nucleotide variant.
Coding change: c.1518C>T on transcript NM_000051.4 (MANE Select); coding-DNA position 1518, C replaced by T.
Protein change: p.Gly506=; no amino-acid change (glycine 506 retained).
Molecular consequence: synonymous variant.
Genome position (GRCh38, 1-based): chr11:108,250,983, C>T. VCF-style: chr11-108250983-C-T. GRCh37 (hg19) VCF-style: chr11-108121710-C-T.
Other names: c.1518C>T, p.Gly506= (NM_001351834.2).
Identifiers: ClinVar variation 220450 (VCV000220450.12), dbSNP rs864622528, ClinGen allele CA349448.

ClinVar aggregate classification (germline): Benign/Likely benign. Review status: criteria provided, multiple submitters, no conflicts (2 of 4 stars). 3 submissions from 3 submitters: Benign (1); Likely benign (2). Last evaluated 2024-08-11.

Conditions:
Hereditary cancer-predisposing syndrome. Also called: Tumor predisposition; Hereditary neoplastic syndrome; Neoplastic Syndromes, Hereditary; Hereditary Cancer Syndrome. Identifiers: Orphanet 140162, MedGen C0027672, MeSH D009386, MONDO:0015356.
Familial cancer of breast. Also called: hereditary breast carcinoma; Hereditary breast cancer; BREAST CANCER, FAMILIAL. Identifiers: Orphanet 227535, MedGen C0346153, MONDO:0016419, OMIM 114480. Disease mechanism: loss of function.
Ataxia-telangiectasia syndrome (AT). Also called: Ataxia-telangiectasia, complementation group E; AT, COMPLEMENTATION GROUP C; ATAXIA-TELANGIECTASIA, COMPLEMENTATION GROUP A; ATAXIA-TELANGIECTASIA, FRESNO VARIANT; Ataxia-telangiectasia; LOUIS-BAR SYNDROME. Identifiers: Orphanet 100, MedGen C0004135, MONDO:0008840, OMIM 208900.

Submissions (3):

Labcorp Genetics (formerly Invitae), Labcorp
Classification: Likely benign for Ataxia-telangiectasia syndrome. Last evaluated: 2024-08-11. Review status: criteria provided, single submitter. Criteria: Invitae Variant Classification Sherloc (09022015). Collection method: clinical testing. Allele origin: germline.

Myriad Genetics, Inc.
Classification: Benign for Familial cancer of breast. Last evaluated: 2024-04-29. Review status: criteria provided, single submitter. Criteria: Myriad Autosomal Dominant, Autosomal Recessive and X-Linked Classification Criteria (2023). Collection method: clinical testing. Allele origin: unknown.
Comment: This variant is considered benign. This variant is a silent/synonymous amino acid change and it is not expected to impact splicing.

Ambry Genetics
Classification: Likely benign for Hereditary cancer-predisposing syndrome. Last evaluated: 2019-07-01. Review status: criteria provided, single submitter. Criteria: Ambry Variant Classification Scheme 2023. Collection method: clinical testing. Allele origin: germline.